The following is an entry in ClinVar:

ClinVar aggregate classification (germline): Uncertain significance. Review status: criteria provided, single submitter (1 of 4 stars). 2 submissions from 2 submitters: Uncertain significance (1). 1 of the submissions does not count toward it. Last evaluated 2023-10-29.

Conditions:
Spastic ataxia 8, autosomal recessive, with hypomyelinating leukodystrophy (SPAX8). Identifiers: Orphanet 527497, MedGen C4479653, MONDO:0033043, OMIM 617560.

gnomAD v4.1: 2 of 1,606,112 alleles (0.00012%); highest among the groups gnomAD compares: Admixed American, 0.0017%; no homozygotes.

Submissions (2):

3billion
Classification: Uncertain significance for Spastic ataxia 8, autosomal recessive, with hypomyelinating leukodystrophy. Last evaluated: 2023-10-29. Review status: criteria provided, single submitter. Criteria: ACMG Guidelines, 2015. Collection method: clinical testing. Allele origin: germline. Affected: yes.
Comment: The variant is not observed in the gnomAD v2.1.1 dataset. Predicted Consequence/Location: Missense variant In silico tool predictions suggest damaging effect of the variant on gene or gene product [REVEL: 0.92 (>=0.6, sensitivity 0.68 and specificity 0.92); 3Cnet: 0.92 (>=0.6, sensitivity 0.72 and precision 0.9)]. Same nucleotide change resulting in same amino acid change has been previously reported to be associated with NKX6-2 related disorder (PMID: 32004679). However, the evidence of pathogenicity is insufficient at this time. The variant has been reported to co-segregate with the disease in at least one similarly affected relative/individual in the same family or similarly affected unrelated family (PMID: 32004679). Therefore, this variant is classified as VUS according to the recommendation of ACMG/AMP guideline.

Myelin Disorders Clinic-Children's Medical Center/Medical Genetics Lab-Tarbiat Modares University, Children's Medical Center, Pediatrics Center of Excellence,
Classification: Uncertain significance for Spastic ataxia 8, autosomal recessive, with hypomyelinating leukodystrophy. Last evaluated: 2019-08-02. Review status: no assertion criteria provided. Collection method: clinical testing. Allele origin: inherited. Inheritance: Autosomal recessive inheritance. Affected: yes. Observed: 2 homozygotes. Not counted in ClinVar's aggregate classification.

Literature cited by the submitters: PubMed 32004679 (cited by 3billion).

NM_177400.3(NKX6-2):c.501C>G (p.Phe167Leu)

Gene: NKX6-2 (NK6 homeobox 2; minus strand). Cytogenetic location: 10q26.3.
Variant type: single nucleotide variant.
Coding change: c.501C>G on transcript NM_177400.3 (MANE Select); coding-DNA position 501, C replaced by G.
Protein change: p.Phe167Leu; replaces phenylalanine 167 with leucine.
Molecular consequence: missense variant.
Genome position (GRCh38, 1-based): chr10:132,785,358, G>C on the plus strand (C>G on the coding strand, the complement: NKX6-2 is on the minus strand). VCF-style: chr10-132785358-G-C. GRCh37 (hg19) VCF-style: chr10-134598862-G-C.
Other names: short protein forms F167L.
Identifiers: ClinVar variation 638677 (VCV000638677.2), dbSNP rs1375888398, ClinGen allele CA378769864.